The following is an entry in ClinVar:

ClinVar aggregate classification (germline): Uncertain significance (1 of 4 stars; one submission).

Submission:

Labcorp Genetics (formerly Invitae), Labcorp
Classification: Uncertain significance. Last evaluated: 2022-06-07. Review status: criteria provided, single submitter. Criteria: Invitae Variant Classification Sherloc (09022015). Collection method: clinical testing. Allele origin: germline.
Comment: This sequence change replaces glutamine, which is neutral and polar, with histidine, which is basic and polar, at codon 2605 of the UNC80 protein (p.Gln2605His). This variant is not present in population databases (gnomAD no frequency). This variant has not been reported in the literature in individuals affected with UNC80-related conditions. Algorithms developed to predict the effect of missense changes on protein structure and function are either unavailable or do not agree on the potential impact of this missense change (SIFT: "Not Available"; PolyPhen-2: "Probably Damaging"; Align-GVGD: "Not Available"). In summary, the available evidence is currently insufficient to determine the role of this variant in disease. Therefore, it has been classified as a Variant of Uncertain Significance.

NM_001371986.1(UNC80):c.8013G>T (p.Gln2671His)

Gene: UNC80 (unc-80 subunit of NALCN channel complex; plus strand). Cytogenetic location: 2q34.
Variant type: single nucleotide variant.
Coding change: c.8013G>T on transcript NM_001371986.1 (MANE Select); coding-DNA position 8013, G replaced by T.
Protein change: p.Gln2671His; replaces glutamine 2671 with histidine.
Molecular consequence: missense variant.
Genome position (GRCh38, 1-based): chr2:209,969,774, G>T. VCF-style: chr2-209969774-G-T. GRCh37 (hg19) VCF-style: chr2-210834498-G-T.
Other names: c.7815G>T, p.Gln2605His (NM_032504.2); c.7800G>T, p.Gln2600His (NM_182587.4); short protein forms Q2605H, Q2671H, Q2600H.
Identifiers: ClinVar variation 2002914 (VCV002002914.4), dbSNP rs2471221885, ClinGen allele CA350777569.
Genomic context (GRCh38, chr2:209,969,774, plus strand): 5'-TCAGACTCTCCAGAAGGGAGCCAAGACGCTAATGGCGCCTATATTGTATTCCAGGCGACA[G>T]GTTGAGTGGGAGCCTGCCAGCAATTTGATTGAAGGGGTTTGTTTGACACTTCAGAGGCAG-3'
Protein context (NP_001358915.1, residues 2661-2681): KIHKMPTLRR[Gln2671His]VEWEPASNLI